The following is an entry in ClinVar:

ClinVar aggregate classification (germline): Uncertain significance. Review status: criteria provided, multiple submitters, no conflicts (2 of 4 stars). 3 submissions from 3 submitters: Uncertain significance (3). Last evaluated 2025-01-27.

Conditions:
Hereditary cancer-predisposing syndrome. Also called: Tumor predisposition; Hereditary Cancer Syndrome; Hereditary neoplastic syndrome; Neoplastic Syndromes, Hereditary. Identifiers: Orphanet 140162, MedGen C0027672, MeSH D009386, MONDO:0015356.
Familial adenomatous polyposis 1 (FAP1). Also called: FAMILIAL ADENOMATOUS POLYPOSIS 1, ATTENUATED; POLYPOSIS, ADENOMATOUS INTESTINAL. Identifiers: MedGen C2713442, MONDO:0021056, OMIM 175100. Disease mechanism: loss of function.

Allele frequency attached by ClinVar (database versions not stated): gnomAD exomes below 0.00001; ExAC 0.00001.
gnomAD v4.1: 1 of 1,614,240 alleles (0.000062%); highest among the groups gnomAD compares: Non-Finnish European, 0.000085%; no homozygotes.

Submissions (3):

Ambry Genetics
Classification: Uncertain significance for Hereditary cancer-predisposing syndrome. Last evaluated: 2025-01-27. Review status: criteria provided, single submitter. Criteria: Ambry Variant Classification Scheme 2023. Collection method: clinical testing. Allele origin: germline.
Comment: The p.K975E variant (also known as c.2923A>G), located in coding exon 15 of the APC gene, results from an A to G substitution at nucleotide position 2923. The lysine at codon 975 is replaced by glutamic acid, an amino acid with similar properties. This amino acid position is well conserved in available vertebrate species. In addition, in silico predictors for this gene do not accurately predict pathogenicity. Since supporting evidence is limited at this time, the clinical significance of this alteration remains unclear.

Labcorp Genetics (formerly Invitae), Labcorp
Classification: Uncertain significance for Familial adenomatous polyposis 1. Last evaluated: 2021-05-13. Review status: criteria provided, single submitter. Criteria: Invitae Variant Classification Sherloc (09022015). Collection method: clinical testing. Allele origin: germline.
Comment: Algorithms developed to predict the effect of missense changes on protein structure and function (SIFT, PolyPhen-2, Align-GVGD) all suggest that this variant is likely to be tolerated, but these predictions have not been confirmed by published functional studies and their clinical significance is uncertain. This sequence change replaces lysine with glutamic acid at codon 975 of the APC protein (p.Lys975Glu). The lysine residue is highly conserved and there is a small physicochemical difference between lysine and glutamic acid. This variant is present in population databases (rs780597635, ExAC 0.002%). This variant has not been reported in the literature in individuals with APC-related conditions. ClinVar contains an entry for this variant (Variation ID: 487052). In summary, the available evidence is currently insufficient to determine the role of this variant in disease. Therefore, it has been classified as a Variant of Uncertain Significance.

Women's Health and Genetics/Laboratory Corporation of America, LabCorp
Classification: Uncertain significance. Last evaluated: 2019-03-28. Review status: criteria provided, single submitter. Criteria: LabCorp Variant Classification Summary - May 2015. Collection method: clinical testing. Allele origin: germline.
Comment: Variant summary: APC c.2923A>G (p.Lys975Glu) results in a conservative amino acid change in the encoded protein sequence. Three of five in-silico tools predict a benign effect of the variant on protein function. The variant allele was found at a frequency of 4.1e-06 in 245996 control chromosomes (gnomAD). The available data on variant occurrences in the general population are insufficient to allow any conclusion about variant significance. To our knowledge, no occurrence of c.2923A>G in individuals affected with Familial Adenomatous Polyposis and no experimental evidence demonstrating its impact on protein function have been reported. A ClinVar submission from a clinical diagnostic laboratory (evaluation after 2014) cites the variant as uncertain significance. Based on the evidence outlined above, the variant was classified as uncertain significance.

NM_000038.6(APC):c.2923A>G (p.Lys975Glu)

Gene: APC (APC regulator of Wnt signaling pathway; plus strand). Cytogenetic location: 5q22.2.
Variant type: single nucleotide variant.
Coding change: c.2923A>G on transcript NM_000038.6 (MANE Select); coding-DNA position 2923, A replaced by G.
Protein change: p.Lys975Glu; replaces lysine 975 with glutamic acid.
Molecular consequence: missense variant.
Genome position (GRCh38, 1-based): chr5:112,838,517, A>G. VCF-style: chr5-112838517-A-G. GRCh37 (hg19) VCF-style: chr5-112174214-A-G.
Other names: c.2923A>G, p.Lys975Glu (NM_001127510.3, NM_001354895.2); c.2869A>G, p.Lys957Glu (NM_001127511.3); c.2977A>G, p.Lys993Glu (NM_001354896.2); c.2953A>G, p.Lys985Glu (NM_001354897.2); c.2848A>G, p.Lys950Glu (NM_001354898.2); c.2839A>G, p.Lys947Glu (NM_001354899.2); c.2800A>G, p.Lys934Glu (NM_001354900.2); c.2746A>G, p.Lys916Glu (NM_001354901.2); and 5 more; short protein forms K957E, K975E, K849E, K884E, K934E, K947E, K993E, K692E.
Identifiers: ClinVar variation 487052 (VCV000487052.18), dbSNP rs780597635, ClinGen allele CA033967.